The following is an entry in ClinVar:

NM_001287491.2(TET3):c.4122A>C (p.Leu1374=)

Gene: TET3 (tet methylcytosine dioxygenase 3; plus strand). Cytogenetic location: 2p13.1.
Variant type: single nucleotide variant.
Coding change: c.4122A>C on transcript NM_001287491.2 (MANE Select); coding-DNA position 4122, A replaced by C.
Protein change: p.Leu1374=; no amino-acid change (leucine 1374 retained).
Molecular consequence: synonymous variant.
Genome position (GRCh38, 1-based): chr2:74,100,910, A>C. VCF-style: chr2-74100910-A-C. GRCh37 (hg19) VCF-style: chr2-74328037-A-C.
Other names: c.3843A>C, p.Leu1281= (NM_001366022.1).
Identifiers: ClinVar variation 5039207 (VCV005039207.1).
Genomic context (GRCh38, chr2:74,100,910, plus strand): 5'-TCACCACCAGCAGCCTGCGTACCCAGGCCCCAAGGAGTATCTGCTTCCCAAGGCCCCCCT[A>C]CTCCACTCAGTGTCCAGGGACCCCTCCCCCTTTGCCCAGAGCTCCAACTGCTACAACAGA-3'
Protein context (NP_001274420.1, residues 1364-1384): PKEYLLPKAP[Leu1374=]LHSVSRDPSP

ClinVar aggregate classification (germline): Likely benign (1 of 4 stars; one submission).

gnomAD v4.1: 4 of 1,609,700 alleles (0.00025%); highest among the groups gnomAD compares: Admixed American, 0.0017%; no homozygotes.

Submission:

CeGaT Center for Human Genetics Tuebingen
Classification: Likely benign. Last evaluated: 2026-07-01. Review status: criteria provided, single submitter. Criteria: CeGaT Center For Human Genetics Tuebingen Variant Classification Criteria Version 2. Collection method: clinical testing. Allele origin: germline. Affected: yes. Observed: 1 variant allele.
Comment: TET3: BP4, BP7